The following is an entry in ClinVar:

ClinVar aggregate classification (germline): Benign (0 of 4 stars; one submission).

Conditions:
NRP2-related disorder. Also called: NRP2-related condition.

Allele frequency attached by ClinVar (database versions not stated): 1000 Genomes Project 0.03974; 1000 Genomes Project 30x 0.04216; TOPMed 0.06670; ExAC 0.06790; gnomAD 0.07235; ESP Exome Variant Server 0.07858; gnomAD exomes 0.08294.
gnomAD v4.1: 132,490 of 1,614,076 alleles (8.2%); highest among the groups gnomAD compares: Middle Eastern, 13%; 6,029 homozygotes.

Submission:

PreventionGenetics, part of Exact Sciences
Classification: Benign for NRP2-related condition. Last evaluated: 2022-04-11. Review status: no assertion criteria provided. Collection method: clinical testing. Allele origin: germline.
Comment: This variant is classified as benign based on ACMG/AMP sequence variant interpretation guidelines (Richards et al. 2015 PMID: 25741868, with internal and published modifications).

NM_003872.3(NRP2):c.870T>C (p.Asn290=)

Gene: NRP2 (neuropilin 2; plus strand). Cytogenetic location: 2q33.3.
Variant type: single nucleotide variant.
Coding change: c.870T>C on transcript NM_003872.3 (MANE Select); coding-DNA position 870, T replaced by C.
Protein change: p.Asn290=; no amino-acid change (asparagine 290 retained).
Molecular consequence: synonymous variant.
Genome position (GRCh38, 1-based): chr2:205,725,962, T>C. VCF-style: chr2-205725962-T-C. GRCh37 (hg19) VCF-style: chr2-206590686-T-C.
Other names: c.870T>C, p.Asn290= (NM_018534.4, NM_201264.2, NM_201266.2 and 2 more transcripts).
Identifiers: ClinVar variation 3059160 (VCV003059160.2), dbSNP rs2228639, ClinGen allele CA2068948.